The following is an entry in ClinVar:

ClinVar aggregate classification (germline): Uncertain significance (1 of 4 stars; one submission).

Allele frequency attached by ClinVar (database versions not stated): gnomAD exomes below 0.00001.
gnomAD v4.1: 1 of 1,611,904 alleles (0.000062%); highest among the groups gnomAD compares: Admixed American, 0.0017%; no homozygotes.

Submission:

Labcorp Genetics (formerly Invitae), Labcorp
Classification: Uncertain significance. Last evaluated: 2022-04-16. Review status: criteria provided, single submitter. Criteria: Invitae Variant Classification Sherloc (09022015). Collection method: clinical testing. Allele origin: germline.
Comment: This sequence change replaces glycine, which is neutral and non-polar, with arginine, which is basic and polar, at codon 336 of the ADAMTSL4 protein (p.Gly336Arg). This variant is present in population databases (no rsID available, gnomAD 0.0009%). This variant has not been reported in the literature in individuals affected with ADAMTSL4-related conditions. Algorithms developed to predict the effect of missense changes on protein structure and function (SIFT, PolyPhen-2, Align-GVGD) all suggest that this variant is likely to be tolerated. In summary, the available evidence is currently insufficient to determine the role of this variant in disease. Therefore, it has been classified as a Variant of Uncertain Significance.

NM_019032.6(ADAMTSL4):c.1006G>C (p.Gly336Arg)

Genes: ADAMTSL4 (ADAMTS like 4; plus strand), ADAMTSL4-AS2 (ADAMTSL4 antisense RNA 2; minus strand). Cytogenetic location: 1q21.2.
Variant type: single nucleotide variant.
Coding change: c.1006G>C on transcript NM_019032.6 (MANE Select); coding-DNA position 1006, G replaced by C.
Protein change: p.Gly336Arg; replaces glycine 336 with arginine.
Molecular consequence: missense variant.
Genome position (GRCh38, 1-based): chr1:150,553,997, G>C. VCF-style: chr1-150553997-G-C. GRCh37 (hg19) VCF-style: chr1-150526473-G-C.
Other names: c.1006G>C, p.Gly336Arg (NM_001288607.2, NM_001288608.2, NM_001378596.1 and 1 more transcripts); short protein forms G336R.
Identifiers: ClinVar variation 2126663 (VCV002126663.1), dbSNP rs1461245407, ClinGen allele CA342303120.
Genomic context (GRCh38, chr1:150,553,997, plus strand): 5'-CCTTGGGGAACGGGGGGGACTCCTCACGGGCCCCGCCTGGAGCCTGACCCTCAGCACCCG[G>C]GCGCCTGGCTGCCCCTGCTGAGCAACGGCCCCCATGCCAGCTCCCTCTGGAGCCTCTTTG-3'
Protein context (NP_061905.2, residues 326-346): PRLEPDPQHP[Gly336Arg]AWLPLLSNGP